The following is an entry in ClinVar:

NM_001829.4(CLCN3):c.2018A>G (p.Asp673Gly)

Gene: CLCN3 (chloride voltage-gated channel 3; plus strand). Cytogenetic location: 4q33.
Variant type: single nucleotide variant.
Coding change: c.2018A>G on transcript NM_001829.4 (MANE Select); coding-DNA position 2018, A replaced by G.
Protein change: p.Asp673Gly; replaces aspartic acid 673 with glycine.
Molecular consequence: missense variant.
Genome position (GRCh38, 1-based): chr4:169,707,135, A>G. VCF-style: chr4-169707135-A-G. GRCh37 (hg19) VCF-style: chr4-170628286-A-G.
Other names: c.1937A>G, p.Asp646Gly (NM_001243372.2, NM_001243374.2); c.2018A>G, p.Asp673Gly (NM_173872.4); short protein forms D646G, D673G.
Identifiers: ClinVar variation 4293107 (VCV004293107.1).
Genomic context (GRCh38, chr4:169,707,135, plus strand): 5'-TGGCTGCTGACGTTATGAGACCTCGAAGGAATGATCCTCCCTTAGCTGTCCTGACACAGG[A>G]CAATATGACAGTGGATGATATAGAAAACATGATTAATGAAACCAGCTACAATGGATTTCC-3'
Protein context (NP_001820.2, residues 663-683): NDPPLAVLTQ[Asp673Gly]NMTVDDIENM

ClinVar aggregate classification (germline): Uncertain significance (1 of 4 stars; one submission).

Conditions:
Neurodevelopmental disorder with hypotonia and brain abnormalities. Identifiers: MedGen C5561977, MONDO:0859187, OMIM 619512.

Submission:

3billion
Classification: Uncertain significance for Neurodevelopmental disorder with hypotonia and brain abnormalities. Last evaluated: 2024-10-10. Review status: criteria provided, single submitter. Criteria: ACMG Guidelines, 2015. Collection method: clinical testing. Allele origin: germline. Affected: yes.
Comment: The variant is not observed in the gnomAD v4.1.0 dataset. Predicted Consequence/Location: Missense variant. Missense changes are a common disease-causing mechanism. In silico tool predictions suggest damaging effect of the variant on gene or gene product [REVEL: 0.77 (>=0.6, sensitivity 0.68 and specificity 0.92); 3Cnet: 0.97 (>=0.6, sensitivity 0.72 and precision 0.9)]. Therefore, this variant is classified as VUS according to the recommendation of ACMG/AMP guideline.